The following is an entry in ClinVar:

ClinVar aggregate classification (germline): Conflicting classifications of pathogenicity. Review status: criteria provided, conflicting classifications (1 of 4 stars). 2 submissions from 2 submitters: Uncertain significance (1); Likely benign (1). Last evaluated 2026-01-17.

Conditions:
Hereditary spastic paraplegia 63. Also called: Spastic paraplegia 63, autosomal recessive. Identifiers: Orphanet 401805, MedGen C3810295, MONDO:0014305, OMIM 615686.
Pontocerebellar hypoplasia type 9. Identifiers: Orphanet 369920, MedGen C4014354, MONDO:0014351, OMIM 615809.

Allele frequency attached by ClinVar (database versions not stated): gnomAD exomes 0.00012; ExAC 0.00017; ESP Exome Variant Server 0.00023; gnomAD 0.00037 and 0.00039; 1000 Genomes Project 30x 0.00047; TOPMed 0.00048; 1000 Genomes Project 0.00060.
gnomAD v4.1: 110 of 1,612,204 alleles (0.0068%); highest among the groups gnomAD compares: African/African-American, 0.12%; no homozygotes.

Submissions (3):

Labcorp Genetics (formerly Invitae), Labcorp
Classification: Likely benign for Pontocerebellar hypoplasia type 9; Hereditary spastic paraplegia 63. Last evaluated: 2026-01-17. Review status: criteria provided, single submitter. Criteria: Invitae Variant Classification Sherloc (09022015). Collection method: clinical testing. Allele origin: germline.

Center for Pediatric Genomic Medicine, Children's Mercy Hospital and Clinics
Classification: Uncertain significance. Last evaluated: 2016-05-19. Review status: criteria provided, single submitter. Criteria: ACMG Guidelines, 2015. Collection method: clinical testing. Allele origin: germline.
ClinVar note: Converted during submission from Uncertain Significance to Uncertain significance.

Dr. Peter K. Rogan Lab, Western University
No classification provided (evidence only). Condition: Familial cancer of breast. Review status: no classification provided. Collection method: in vitro. Allele origin: not applicable. Functional consequence: retained intron. Not counted in ClinVar's aggregate classification.

NM_001368809.2(AMPD2):c.1081-8C>A

Genes: AMPD2 (adenosine monophosphate deaminase 2; plus strand), LOC126805822 (BRD4-independent group 4 enhancer GRCh37_chr1:110170748-110171947; plus strand). Cytogenetic location: 1p13.3.
Variant type: single nucleotide variant.
Coding change: c.1081-8C>A on transcript NM_001368809.2 (MANE Select); 8 bases into the intron before coding-DNA position 1081, C replaced by A.
Molecular consequence: intron variant.
Genome position (GRCh38, 1-based): chr1:109,628,075, C>A. VCF-style: chr1-109628075-C-A. GRCh37 (hg19) VCF-style: chr1-110170697-C-A.
Other names: c.1243-8C>A (NM_001257360.1); c.1000-8C>A (NM_139156.4); c.1018-8C>A (NM_001308170.1); c.1081-8C>A (NM_004037.9); c.889-8C>A (NM_001257361.2).
Identifiers: ClinVar variation 235369 (VCV000235369.17), dbSNP rs145268448, ClinGen allele CA993026.